The following is an entry in ClinVar:

ClinVar aggregate classification (germline): Uncertain significance (1 of 4 stars; one submission).

Conditions:
Psychomotor retardation, epilepsy, and craniofacial dysmorphism (NEDHCS). Also called: NEURODEVELOPMENTAL DISORDER WITH HYPOTONIA, CRANIOFACIAL ABNORMALITIES, AND SEIZURES. Identifiers: MedGen C3281055, MONDO:0013787, OMIM 614501.

Allele frequency attached by ClinVar (database versions not stated): gnomAD 0.00001; TOPMed 0.00002; ExAC 0.00003; gnomAD exomes 0.00003.
gnomAD v4.1: 36 of 1,593,032 alleles (0.0023%); highest among the groups gnomAD compares: Middle Eastern, 0.033%; no homozygotes.

Submission:

Labcorp Genetics (formerly Invitae), Labcorp
Classification: Uncertain significance. Last evaluated: 2026-01-26. Review status: criteria provided, single submitter. Criteria: Invitae Variant Classification Sherloc (09022015). Collection method: clinical testing. Allele origin: germline.
Comment: This sequence change replaces aspartic acid, which is acidic and polar, with tyrosine, which is neutral and polar, at codon 113 of the SNIP1 protein (p.Asp113Tyr). This variant is present in population databases (rs776856243, gnomAD 0.007%). This variant has not been reported in the literature in individuals affected with SNIP1-related conditions. ClinVar contains an entry for this variant (Variation ID: 1412655). Invitae Evidence Modeling of protein sequence and biophysical properties (such as structural, functional, and spatial information, amino acid conservation, physicochemical variation, residue mobility, and thermodynamic stability) indicates that this missense variant is not expected to disrupt SNIP1 protein function with a negative predictive value of 80%. In summary, the available evidence is currently insufficient to determine the role of this variant in disease. Therefore, it has been classified as a Variant of Uncertain Significance.

NM_024700.4(SNIP1):c.337G>T (p.Asp113Tyr)

Genes: SNIP1 (Smad nuclear interacting protein 1; minus strand), LOC126805704 (BRD4-independent group 4 enhancer GRCh37_chr1:38005292-38006491; plus strand). Cytogenetic location: 1p34.3.
Variant type: single nucleotide variant.
Coding change: c.337G>T on transcript NM_024700.4 (MANE Select); coding-DNA position 337, G replaced by T.
Protein change: p.Asp113Tyr; replaces aspartic acid 113 with tyrosine.
Molecular consequence: missense variant.
Genome position (GRCh38, 1-based): chr1:37,540,746, C>A on the plus strand (G>T on the coding strand, the complement: SNIP1 is on the minus strand). VCF-style: chr1-37540746-C-A. GRCh37 (hg19) VCF-style: chr1-38006347-C-A.
Other names: c.337G>T (NM_024700.3); short protein forms D113Y.
Identifiers: ClinVar variation 1412655 (VCV001412655.9), dbSNP rs776856243, ClinGen allele CA771355.